The following is an entry in ClinVar:

ClinVar aggregate classification (germline): Uncertain significance (1 of 4 stars; one submission).

Allele frequency attached by ClinVar (database versions not stated): ExAC 0.00001; gnomAD exomes 0.00002.

Submission:

Labcorp Genetics (formerly Invitae), Labcorp
Classification: Uncertain significance. Last evaluated: 2025-10-08. Review status: criteria provided, single submitter. Criteria: Invitae Variant Classification Sherloc (09022015). Collection method: clinical testing. Allele origin: germline.
Comment: This sequence change replaces arginine, which is basic and polar, with tryptophan, which is neutral and slightly polar, at codon 351 of the ARHGEF1 protein (p.Arg351Trp). This variant is present in population databases (rs782364939, gnomAD 0.004%). This variant has not been reported in the literature in individuals affected with ARHGEF1-related conditions. ClinVar contains an entry for this variant (Variation ID: 1465938). An algorithm developed to predict the effect of missense changes on protein structure and function (PolyPhen-2) suggests that this variant is likely to be disruptive. In summary, the available evidence is currently insufficient to determine the role of this variant in disease. Therefore, it has been classified as a Variant of Uncertain Significance.

NM_004706.4(ARHGEF1):c.1006C>T (p.Arg336Trp)

Gene: ARHGEF1 (Rho guanine nucleotide exchange factor 1; plus strand). Cytogenetic location: 19q13.2.
Variant type: single nucleotide variant.
Coding change: c.1006C>T on transcript NM_004706.4 (MANE Select); coding-DNA position 1006, C replaced by T.
Protein change: p.Arg336Trp; replaces arginine 336 with tryptophan.
Molecular consequence: missense variant.
Genome position (GRCh38, 1-based): chr19:41,895,477, C>T. VCF-style: chr19-41895477-C-T. GRCh37 (hg19) VCF-style: chr19-42399550-C-T.
Other names: c.907C>T, p.Arg303Trp (NM_198977.2); c.1051C>T, p.Arg351Trp (NM_199002.2); short protein forms R303W, R336W, R351W.
Identifiers: ClinVar variation 1465938 (VCV001465938.8), dbSNP rs782364939, ClinGen allele CA9466133.